The following is an entry in ClinVar:

ClinVar aggregate classification (germline): Uncertain significance (1 of 4 stars; one submission).

Conditions:
Tay-Sachs disease (TSD). Also called: HEXA DEFICIENCY; GM2 gangliosidosis, type 1; Hexosaminidase alpha-subunit deficiency (variant B); Sphingolipidosis, Tay-Sachs; HEXA Disorders; Hexosaminidase A Deficiency. Identifiers: Orphanet 845, MedGen C0039373, MONDO:0010100, OMIM 272800.

Allele frequency attached by ClinVar (database versions not stated): TOPMed below 0.00001.

Submission:

Labcorp Genetics (formerly Invitae), Labcorp
Classification: Uncertain significance for Tay-Sachs disease. Last evaluated: 2019-09-12. Review status: criteria provided, single submitter. Criteria: Invitae Variant Classification Sherloc (09022015). Collection method: clinical testing. Allele origin: germline.
Comment: This variant has not been reported in the literature in individuals with HEXA-related conditions. Algorithms developed to predict the effect of missense changes on protein structure and function are either unavailable or do not agree on the potential impact of this missense change (SIFT: "Deleterious"; PolyPhen-2: "Probably Damaging"; Align-GVGD: "Class C0"). In summary, the available evidence is currently insufficient to determine the role of this variant in disease. Therefore, it has been classified as a Variant of Uncertain Significance. This variant is not present in population databases (ExAC no frequency). This sequence change replaces threonine with isoleucine at codon 467 of the HEXA protein (p.Thr467Ile). The threonine residue is highly conserved and there is a moderate physicochemical difference between threonine and isoleucine.

NM_000520.6(HEXA):c.1400C>T (p.Thr467Ile)

Gene: HEXA (hexosaminidase subunit alpha; minus strand). Cytogenetic location: 15q23.
Variant type: single nucleotide variant.
Coding change: c.1400C>T on transcript NM_000520.6 (MANE Select); coding-DNA position 1400, C replaced by T.
Protein change: p.Thr467Ile; replaces threonine 467 with isoleucine.
Molecular consequence: missense variant. On other transcripts: non-coding transcript variant (1).
Genome position (GRCh38, 1-based): chr15:72,346,256, G>A on the plus strand (C>T on the coding strand, the complement: HEXA is on the minus strand). VCF-style: chr15-72346256-G-A. GRCh37 (hg19) VCF-style: chr15-72638597-G-A.
Other names: c.1433C>T, p.Thr478Ile (NM_001318825.2); short protein forms T478I, T467I.
Identifiers: ClinVar variation 935829 (VCV000935829.9), dbSNP rs746828145, ClinGen allele CA393059102.